The following is an entry in ClinVar:

NM_014727.3(KMT2B):c.6830G>C (p.Arg2277Pro)

Gene: KMT2B (lysine methyltransferase 2B; plus strand). Cytogenetic location: 19q13.12.
Variant type: single nucleotide variant.
Coding change: c.6830G>C on transcript NM_014727.3 (MANE Select); coding-DNA position 6830, G replaced by C.
Protein change: p.Arg2277Pro; replaces arginine 2277 with proline.
Molecular consequence: missense variant.
Genome position (GRCh38, 1-based): chr19:35,733,379, G>C. VCF-style: chr19-35733379-G-C. GRCh37 (hg19) VCF-style: chr19-36224280-G-C.
Other names: short protein forms R2277P.
Identifiers: ClinVar variation 1694911 (VCV001694911.31), dbSNP rs907427931, ClinGen allele CA405430228.

ClinVar aggregate classification (germline): Uncertain significance (1 of 4 stars; one submission).

Submission:

CeGaT Center for Human Genetics Tuebingen
Classification: Uncertain significance. Last evaluated: 2022-05-01. Review status: criteria provided, single submitter. Criteria: CeGaT Center For Human Genetics Tuebingen Variant Classification Criteria Version 2. Collection method: clinical testing. Allele origin: germline. Affected: yes. Observed: 1 variant allele.
Comment: KMT2B: PM2, PP3